The following is an entry in ClinVar:

ClinVar aggregate classification (germline): Uncertain significance (1 of 4 stars; one submission).

Conditions:
Congenital myasthenic syndrome 4A. Also called: Myasthenic syndrome, congenital, 4a, slow-channel; MYASTHENIC SYNDROME, CONGENITAL, 4A, SLOW-CHANNEL, AUTOSOMAL RECESSIVE; CONGENITAL MYASTHENIC SYNDROME TYPE Ia1. Identifiers: Orphanet 590, MedGen C4225413, MONDO:0011600, OMIM 605809.

gnomAD v4.1: 13 of 1,500,560 alleles (0.00087%); highest among the groups gnomAD compares: East Asian, 0.0028%; no homozygotes.

Submission:

Labcorp Genetics (formerly Invitae), Labcorp
Classification: Uncertain significance for Congenital myasthenic syndrome 4A. Last evaluated: 2025-08-16. Review status: criteria provided, single submitter. Criteria: Invitae Variant Classification Sherloc (09022015). Collection method: clinical testing. Allele origin: germline.
Comment: This sequence change falls in intron 11 of the CHRNE gene. It does not directly change the encoded amino acid sequence of the CHRNE protein. The frequency data for this variant in the population databases is considered unreliable, as metrics indicate poor data quality at this position in the gnomAD database. This variant has not been reported in the literature in individuals affected with CHRNE-related conditions. Algorithms developed to predict the effect of sequence changes on RNA splicing suggest that this variant may disrupt the consensus splice site. In summary, the available evidence is currently insufficient to determine the role of this variant in disease. Therefore, it has been classified as a Variant of Uncertain Significance.

NM_000080.4(CHRNE):c.1326+20C>T

Gene: CHRNE (cholinergic receptor nicotinic epsilon subunit; minus strand). Cytogenetic location: 17p13.2.
Variant type: single nucleotide variant.
Coding change: c.1326+20C>T on transcript NM_000080.4 (MANE Select); 20 bases into the intron after coding-DNA position 1326, C replaced by T.
Molecular consequence: intron variant.
Genome position (GRCh38, 1-based): chr17:4,898,981, G>A on the plus strand (C>T on the coding strand, the complement: CHRNE is on the minus strand). VCF-style: chr17-4898981-G-A. GRCh37 (hg19) VCF-style: chr17-4802276-G-A.
Identifiers: ClinVar variation 4709300 (VCV004709300.1).
Genomic context (GRCh38, chr17:4,898,981, plus strand): 5'-AGGCAGCTGCAGGAGCCAGCGGCATGGGAGACAGTGGTGGGCCTCTGCCTCGCTCCACCC[G>A]CCTCTGGCTCCTGTCCCACCTCGCCGGTGGCCTCCTGATCTCTCGTGCTCTCGGCCACGA-3'